The following is an entry in ClinVar:

ClinVar aggregate classification (germline): Uncertain significance (1 of 4 stars; one submission).

gnomAD v4.1: 2 of 1,599,054 alleles (0.00013%); highest among the groups gnomAD compares: Non-Finnish European, 0.000085%; no homozygotes.

Submission:

GeneDx
Classification: Uncertain significance. Last evaluated: 2024-06-05. Review status: criteria provided, single submitter. Criteria: GeneDx Variant Classification Process June 2021. Collection method: clinical testing. Allele origin: germline. Affected: yes.
Comment: Not observed at significant frequency in large population cohorts (gnomAD); In silico analysis supports that this missense variant has a deleterious effect on protein structure/function; Has not been previously published as pathogenic or benign to our knowledge

NM_001170629.2(CHD8):c.490G>T (p.Ala164Ser)

Gene: CHD8 (chromodomain helicase DNA binding protein 8; minus strand). Cytogenetic location: 14q11.2.
Variant type: single nucleotide variant.
Coding change: c.490G>T on transcript NM_001170629.2 (MANE Select); coding-DNA position 490, G replaced by T.
Protein change: p.Ala164Ser; replaces alanine 164 with serine.
Molecular consequence: missense variant. On other transcripts: intron variant (1).
Genome position (GRCh38, 1-based): chr14:21,431,154, C>A on the plus strand (G>T on the coding strand, the complement: CHD8 is on the minus strand). VCF-style: chr14-21431154-C-A. GRCh37 (hg19) VCF-style: chr14-21899313-C-A.
Other names: c.6+657G>T (NM_020920.4); short protein forms A164S.
Identifiers: ClinVar variation 3384286 (VCV003384286.1).
Genomic context (GRCh38, chr14:21,431,154, plus strand): 5'-TGATACCTTGGGCCTGAATTTGTGCCACATGGGCACCAGTGACTGAGGAGCTTGGTGGGG[C>A]CTTAAGGATAACAATCTTAGGGGCTGACTGAGGTGGCTGCCCTCCAGCACTACTGGAGGA-3'
Protein context (NP_001164100.1, residues 154-174): QSAPKIVILK[Ala164Ser]PPSSSVTGAH